The following is an entry in ClinVar:

NM_001365276.2(TNXB):c.6598A>G (p.Met2200Val)

Gene: TNXB (tenascin XB; minus strand). Cytogenetic location: 6p21.33.
Variant type: single nucleotide variant.
Coding change: c.6598A>G on transcript NM_001365276.2 (MANE Select); coding-DNA position 6598, A replaced by G.
Protein change: p.Met2200Val; replaces methionine 2200 with valine.
Molecular consequence: missense variant.
Genome position (GRCh38, 1-based): chr6:32,065,064, T>C on the plus strand (A>G on the coding strand, the complement: TNXB is on the minus strand). VCF-style: chr6-32065064-T-C. GRCh37 (hg19) VCF-style: chr6-32032841-T-C.
Other names: c.6598A>G, p.Met2200Val (NM_019105.8); short protein forms M2200V.
Identifiers: ClinVar variation 1695441 (VCV001695441.5), dbSNP rs373648872, ClinGen allele CA3734377.

ClinVar aggregate classification (germline): Conflicting classifications of pathogenicity. Review status: criteria provided, conflicting classifications (1 of 4 stars). 2 submissions from 2 submitters: Uncertain significance (1); Likely benign (1). Last evaluated 2024-08-16.

Conditions:
Cardiovascular phenotype. Identifiers: MedGen CN230736.

Allele frequency attached by ClinVar (database versions not stated): gnomAD exomes 0.00007; ExAC 0.00012; 1000 Genomes Project 30x 0.00016; 1000 Genomes Project 0.00020; ESP Exome Variant Server 0.00026; TOPMed 0.00030; gnomAD 0.00031 and 0.00035.
gnomAD v4.1: 90 of 1,603,090 alleles (0.0056%); highest among the groups gnomAD compares: African/African-American, 0.11%; 1 homozygote.

Submissions (2):

Ambry Genetics
Classification: Likely benign for Cardiovascular phenotype. Last evaluated: 2024-08-16. Review status: criteria provided, single submitter. Criteria: Ambry Variant Classification Scheme 2023. Collection method: clinical testing. Allele origin: germline.

GeneDx
Classification: Uncertain significance. Last evaluated: 2022-07-07. Review status: criteria provided, single submitter. Criteria: GeneDx Variant Classification Process June 2021. Collection method: clinical testing. Allele origin: germline. Affected: yes.
Comment: Has not been previously published as pathogenic or benign to our knowledge; In silico analysis supports that this missense variant does not alter protein structure/function